The following is an entry in ClinVar:

NM_002480.3(PPP1R12A):c.1009C>G (p.Leu337Val)

Gene: PPP1R12A (protein phosphatase 1 regulatory subunit 12A; minus strand). Cytogenetic location: 12q21.2.
Variant type: single nucleotide variant.
Coding change: c.1009C>G on transcript NM_002480.3 (MANE Select); coding-DNA position 1009, C replaced by G.
Protein change: p.Leu337Val; replaces leucine 337 with valine.
Molecular consequence: missense variant.
Genome position (GRCh38, 1-based): chr12:79,820,879, G>C on the plus strand (C>G on the coding strand, the complement: PPP1R12A is on the minus strand). VCF-style: chr12-79820879-G-C. GRCh37 (hg19) VCF-style: chr12-80214659-G-C.
Other names: c.1009C>G, p.Leu337Val (NM_001143885.2, NM_001244990.2, NM_001244992.1); c.748C>G, p.Leu250Val (NM_001143886.2); short protein forms L250V, L337V.
Identifiers: ClinVar variation 2580578 (VCV002580578.1), dbSNP rs2547934169, ClinGen allele CA385851051.

ClinVar aggregate classification (germline): Uncertain significance (1 of 4 stars; one submission).

Submission:

GeneDx
Classification: Uncertain significance. Last evaluated: 2023-03-24. Review status: criteria provided, single submitter. Criteria: GeneDx Variant Classification Process June 2021. Collection method: clinical testing. Allele origin: germline. Affected: yes.
Comment: Not observed at significant frequency in large population cohorts (gnomAD); In silico analysis supports that this missense variant does not alter protein structure/function; Has not been previously published as pathogenic or benign to our knowledge